The following is an entry in ClinVar:

ClinVar aggregate classification (germline): Likely pathogenic (1 of 4 stars; one submission).

Conditions:
Autosomal recessive Alport syndrome (ATS2). Also called: COL4A3-Related Nephropathy; COL4A4 Alport Syndrome and Thin Basement Membrane Nephropathy; ALPORT SYNDROME 2, AUTOSOMAL RECESSIVE; Alport syndrome type 2. Identifiers: Orphanet 63, Orphanet 88919, MedGen C4746745, MONDO:0008762, OMIM 203780.

Submission:

Myriad Genetics, Inc.
Classification: Likely pathogenic for Autosomal recessive Alport syndrome. Last evaluated: 2022-02-25. Review status: criteria provided, single submitter. Criteria: Myriad Women's Health Autosomal Recessive and X-Linked Classification Criteria (2021). Collection method: clinical testing. Allele origin: unknown.
Comment: NM_000092.4(COL4A4):c.3185C>A(S1062*) is expected to be pathogenic in the context of COL4A4-related Alport syndrome. This variant is predicted to lead to an abnormal or absent protein product due to the creation of a premature termination codon in COL4A4, a gene where loss-of-function variants are known to be pathogenic. Please note: this variant was assessed in the context of healthy population screening.

NM_000092.5(COL4A4):c.3185C>A (p.Ser1062Ter)

Gene: COL4A4 (collagen type IV alpha 4 chain; minus strand). Cytogenetic location: 2q36.3.
Variant type: single nucleotide variant.
Coding change: c.3185C>A on transcript NM_000092.5 (MANE Select); coding-DNA position 3185, C replaced by A.
Protein change: p.Ser1062Ter; replaces serine 1062 with a stop codon.
Molecular consequence: nonsense.
Genome position (GRCh38, 1-based): chr2:227,050,097, G>T on the plus strand (C>A on the coding strand, the complement: COL4A4 is on the minus strand). VCF-style: chr2-227050097-G-T. GRCh37 (hg19) VCF-style: chr2-227914813-G-T.
Other names: short protein forms S1062*.
Identifiers: ClinVar variation 1724768 (VCV001724768.2), dbSNP rs2473939660, ClinGen allele CA350838847.